The following is an entry in ClinVar:

ClinVar aggregate classification (germline): Uncertain significance (1 of 4 stars; one submission).

gnomAD v4.1: 4 of 1,614,176 alleles (0.00025%); highest among the groups gnomAD compares: Middle Eastern, 0.016%; no homozygotes.

Submission:

Labcorp Genetics (formerly Invitae), Labcorp
Classification: Uncertain significance. Last evaluated: 2018-10-30. Review status: criteria provided, single submitter. Criteria: Invitae Variant Classification Sherloc (09022015). Collection method: clinical testing. Allele origin: germline.
Comment: This sequence change replaces histidine with arginine at codon 2806 of the SZT2 protein (p.His2806Arg). The histidine residue is highly conserved and there is a small physicochemical difference between histidine and arginine. This variant is not present in population databases (ExAC no frequency). This variant has not been reported in the literature in individuals with SZT2-related disease. Algorithms developed to predict the effect of missense changes on protein structure and function are either unavailable or do not agree on the potential impact of this missense change (SIFT: "Tolerated"; PolyPhen-2: "Possibly Damaging"; Align-GVGD: "Class C0"). In summary, the available evidence is currently insufficient to determine the role of this variant in disease. Therefore, it has been classified as a Variant of Uncertain Significance.

NM_001365999.1(SZT2):c.8588A>G (p.His2863Arg)

Gene: SZT2 (SZT2 subunit of KICSTOR complex; plus strand). Cytogenetic location: 1p34.2.
Variant type: single nucleotide variant.
Coding change: c.8588A>G on transcript NM_001365999.1 (MANE Select); coding-DNA position 8588, A replaced by G.
Protein change: p.His2863Arg; replaces histidine 2863 with arginine.
Molecular consequence: missense variant.
Genome position (GRCh38, 1-based): chr1:43,443,440, A>G. VCF-style: chr1-43443440-A-G. GRCh37 (hg19) VCF-style: chr1-43909111-A-G.
Other names: c.8417A>G, p.His2806Arg (NM_015284.4); short protein forms H2863R, H2806R.
Identifiers: ClinVar variation 658719 (VCV000658719.1), dbSNP rs756982244, ClinGen allele CA340039706.